The following is an entry in ClinVar:

NM_001330260.2(SCN8A):c.1262C>T (p.Thr421Ile)

Gene: SCN8A (sodium voltage-gated channel alpha subunit 8; plus strand). Cytogenetic location: 12q13.13.
Variant type: single nucleotide variant.
Coding change: c.1262C>T on transcript NM_001330260.2 (MANE Select); coding-DNA position 1262, C replaced by T.
Protein change: p.Thr421Ile; replaces threonine 421 with isoleucine.
Molecular consequence: missense variant.
Genome position (GRCh38, 1-based): chr12:51,705,544, C>T. VCF-style: chr12-51705544-C-T. GRCh37 (hg19) VCF-style: chr12-52099328-C-T.
Other names: c.1262C>T, p.Thr421Ile (NM_001177984.3, NM_001369788.1, NM_014191.4); short protein forms T421I.
Identifiers: ClinVar variation 3635185 (VCV003635185.2).

ClinVar aggregate classification (germline): Uncertain significance (1 of 4 stars; one submission).

Conditions:
Early-infantile DEE. Also called: Early infantile epileptic encephalopathy; Ohtahara syndrome; Early infantile epileptic encephalopathy with suppression bursts. Identifiers: Orphanet 1934, MedGen C0393706, MONDO:0800491.

Submission:

Labcorp Genetics (formerly Invitae), Labcorp
Classification: Uncertain significance for Early-infantile DEE. Last evaluated: 2024-11-18. Review status: criteria provided, single submitter. Criteria: Invitae Variant Classification Sherloc (09022015). Collection method: clinical testing. Allele origin: germline.
Comment: This sequence change replaces threonine, which is neutral and polar, with isoleucine, which is neutral and non-polar, at codon 421 of the SCN8A protein (p.Thr421Ile). This variant is not present in population databases (gnomAD no frequency). This variant has not been reported in the literature in individuals affected with SCN8A-related conditions. Invitae Evidence Modeling of protein sequence and biophysical properties (such as structural, functional, and spatial information, amino acid conservation, physicochemical variation, residue mobility, and thermodynamic stability) indicates that this missense variant is expected to disrupt SCN8A protein function with a positive predictive value of 80%. In summary, the available evidence is currently insufficient to determine the role of this variant in disease. Therefore, it has been classified as a Variant of Uncertain Significance.